The following is an entry in ClinVar:

NM_001267550.2(TTN):c.49666G>T (p.Gly16556Ter)

Genes: TTN-AS1 (TTN antisense RNA 1; plus strand), TTN (titin; minus strand). Cytogenetic location: 2q31.2.
Variant type: single nucleotide variant.
Coding change: c.49666G>T on transcript NM_001267550.2 (MANE Select); coding-DNA position 49666, G replaced by T.
Protein change: p.Gly16556Ter; replaces glycine 16556 with a stop codon.
Molecular consequence: nonsense.
Genome position (GRCh38, 1-based): chr2:178,613,055, C>A on the plus strand (G>T on the coding strand, the complement: TTN is on the minus strand). VCF-style: chr2-178613055-C-A. GRCh37 (hg19) VCF-style: chr2-179477782-C-A.
Other names: c.44743G>T, p.Gly14915Ter (NM_001256850.1); c.22471G>T, p.Gly7491Ter (NM_003319.4); c.41962G>T, p.Gly13988Ter (NM_133378.4); c.22846G>T, p.Gly7616Ter (NM_133432.3); c.23047G>T, p.Gly7683Ter (NM_133437.4); short protein forms G7491*, G7616*, G14915*, G16556*, G7683*, G13988*.
Identifiers: ClinVar variation 2942502 (VCV002942502.3), dbSNP rs1193616870, ClinGen allele CA349601559.

ClinVar aggregate classification (germline): Likely pathogenic (1 of 4 stars; one submission).

Conditions:
Dilated cardiomyopathy 1G (CMD1G). Identifiers: Orphanet 154, MedGen C1858763, MONDO:0011400, OMIM 604145.
Autosomal recessive limb-girdle muscular dystrophy type 2J (LGMDR10). Also called: MUSCULAR DYSTROPHY, LIMB-GIRDLE, AUTOSOMAL RECESSIVE 10; Limb-girdle muscular dystrophy, type 2J. Identifiers: Orphanet 140922, MedGen C1837342, MONDO:0012127, OMIM 608807.

Submission:

Labcorp Genetics (formerly Invitae), Labcorp
Classification: Likely pathogenic for Dilated cardiomyopathy 1G; Autosomal recessive limb-girdle muscular dystrophy type 2J. Last evaluated: 2022-12-20. Review status: criteria provided, single submitter. Criteria: Invitae Variant Classification Sherloc (09022015). Collection method: clinical testing. Allele origin: germline.
Comment: In summary, the currently available evidence indicates that the variant is pathogenic, but additional data are needed to prove that conclusively. Therefore, this variant has been classified as Likely Pathogenic. This variant is located in the A band of TTN (PMID: 25589632). Truncating variants in this region are significantly overrepresented in patients affected with dilated cardiomyopathy (PMID: 25589632). Truncating variants in this region have also been reported in individuals affected with autosomal recessive centronuclear myopathy (PMID: 23975875). This variant has not been reported in the literature in individuals affected with TTN-related conditions. This variant is not present in population databases (gnomAD no frequency). This sequence change creates a premature translational stop signal (p.Gly16556*) in the TTN gene. While this is not anticipated to result in nonsense mediated decay, it is expected to create a truncated TTN protein.

Literature cited by the submitters: PubMed 25589632; PubMed 23975875.